The following is an entry in ClinVar:

ClinVar aggregate classification (germline): Conflicting classifications of pathogenicity. Review status: criteria provided, conflicting classifications (1 of 4 stars). 2 submissions from 2 submitters: Uncertain significance (1); Likely benign (1). Last evaluated 2024-12-19.

Conditions:
Pilarowski-Bjornsson syndrome. Also called: DEVELOPMENTAL DELAY AND SPEECH APRAXIA WITH OR WITHOUT SEIZURES. Identifiers: Orphanet 529965, MedGen C4540131, MONDO:0060568, OMIM 617682.

Allele frequency attached by ClinVar (database versions not stated): TOPMed below 0.00001.

Submissions (2):

Centre for Clinical Genetics and Genomic Diagnostics, Zealand University Hospital
Classification: Likely benign. Last evaluated: 2024-12-19. Review status: criteria provided, single submitter. Criteria: ACMG Guidelines, 2015. Collection method: clinical testing. Allele origin: germline.
Comment: Reclassified from VUS

New York Genome Center
Classification: Uncertain significance for Pilarowski-Bjornsson syndrome. Last evaluated: 2021-02-10. Review status: criteria provided, single submitter. Criteria: NYGC Assertion Criteria 2020. Collection method: clinical testing. Allele origin: inherited. Observed: 1 heterozygote. Study: CSER-NYCKidSeq.

NM_001270.4(CHD1):c.3998A>G (p.Lys1333Arg)

Gene: CHD1 (chromodomain helicase DNA binding protein 1; minus strand). Cytogenetic location: 5q15.
Variant type: single nucleotide variant.
Coding change: c.3998A>G on transcript NM_001270.4 (MANE Select); coding-DNA position 3998, A replaced by G.
Protein change: p.Lys1333Arg; replaces lysine 1333 with arginine.
Molecular consequence: missense variant. On other transcripts: non-coding transcript variant (2).
Genome position (GRCh38, 1-based): chr5:98,869,863, T>C on the plus strand (A>G on the coding strand, the complement: CHD1 is on the minus strand). VCF-style: chr5-98869863-T-C. GRCh37 (hg19) VCF-style: chr5-98205567-T-C.
Other names: c.3998A>G, p.Lys1333Arg (NM_001364113.3, NM_001376194.2); short protein forms K1333R.
Identifiers: ClinVar variation 1341810 (VCV001341810.3), dbSNP rs1749202438, ClinGen allele CA360521866.
Genomic context (GRCh38, chr5:98,869,863, plus strand): 5'-CTCTTTATTTCCTCTTTCACTTTTATAGACTTCATTGCTTTATTCTTCTTAGCTCTTGCT[T>C]TTCTCCTCTTTGAACTTCCCTAAAAATCATTATTTTAATTTTAACCAATTCTACAGATTT-3'
Protein context (NP_001261.2, residues 1323-1343): LSGAGSSKRR[Lys1333Arg]ARAKKNKAMK